The following is an entry in ClinVar:

NM_130384.3(ATRIP):c.320C>T (p.Pro107Leu)

Genes: ATRIP (ATR interacting protein; plus strand), ATRIP-TREX1 (ATRIP-TREX1 readthrough; plus strand). Cytogenetic location: 3p21.31.
Variant type: single nucleotide variant.
Coding change: c.320C>T on transcript NM_130384.3 (MANE Select); coding-DNA position 320, C replaced by T.
Protein change: p.Pro107Leu; replaces proline 107 with leucine.
Molecular consequence: missense variant. On other transcripts: non-coding transcript variant (1), 5 prime UTR variant (1).
Genome position (GRCh38, 1-based): chr3:48,450,109, C>T. VCF-style: chr3-48450109-C-T. GRCh37 (hg19) VCF-style: chr3-48491515-C-T.
Other names: c.-145C>T (NM_001271022.2); c.41C>T, p.Pro14Leu (NM_001271023.2); c.320C>T, p.Pro107Leu (NM_032166.4); short protein forms P14L, P107L.
Identifiers: ClinVar variation 3465073 (VCV003465073.1).
Genomic context (GRCh38, chr3:48,450,109, plus strand): 5'-TCCACAGATTATTAGATGGCATGTCAAAAAATCCTTCAGGGAAAAACAGAGAAACTGTTC[C>T]AATTAAAGATAATTTCGAATTAGAGGTACTTCAGGCACAATACAAAGAACTTAAAGAAAA-3'
Protein context (NP_569055.1, residues 97-117): NPSGKNRETV[Pro107Leu]IKDNFELEVL

ClinVar aggregate classification (germline): Uncertain significance (1 of 4 stars; one submission).

gnomAD v4.1: 24 of 1,612,684 alleles (0.0015%); highest among the groups gnomAD compares: African/African-American, 0.031%; no homozygotes.

Submission:

Ambry Genetics
Classification: Uncertain significance. Last evaluated: 2024-12-06. Review status: criteria provided, single submitter. Criteria: Ambry Variant Classification Scheme 2023. Collection method: clinical testing. Allele origin: germline.
Comment: The p.P107L variant (also known as c.320C>T), located in coding exon 2 of the ATRIP gene, results from a C to T substitution at nucleotide position 320. The proline at codon 107 is replaced by leucine, an amino acid with similar properties. This amino acid position is conserved. In addition, this alteration is predicted to be tolerated by in silico analysis. Based on the available evidence, the clinical significance of this variant remains unclear.